The following is an entry in ClinVar:

NM_005027.4(PIK3R2):c.194G>A (p.Arg65Gln)

Gene: PIK3R2 (phosphoinositide-3-kinase regulatory subunit 2; plus strand). Cytogenetic location: 19p13.11.
Variant type: single nucleotide variant.
Coding change: c.194G>A on transcript NM_005027.4 (MANE Select); coding-DNA position 194, G replaced by A.
Protein change: p.Arg65Gln; replaces arginine 65 with glutamine.
Molecular consequence: missense variant. On other transcripts: non-coding transcript variant (2).
Genome position (GRCh38, 1-based): chr19:18,156,073, G>A. VCF-style: chr19-18156073-G-A. GRCh37 (hg19) VCF-style: chr19-18266883-G-A.
Other names: c.194G>A, p.Arg65Gln (LRG_1392t1); short protein forms R65Q.
Identifiers: ClinVar variation 444457 (VCV000444457.49), dbSNP rs374448993, ClinGen allele CA9306661.

ClinVar aggregate classification (germline): Likely benign. Review status: criteria provided, multiple submitters, no conflicts (2 of 4 stars). 3 submissions from 3 submitters: Likely benign (3). Last evaluated 2026-03-01.

Conditions:
Megalencephaly-polymicrogyria-postaxial polydactyly-hydrocephalus syndrome. Also called: MEG-PMG-MEGACC SYNDROME; MPPH Syndrome. Identifiers: Orphanet 83473, MedGen C1863924, MONDO:0019375.

Allele frequency attached by ClinVar (database versions not stated): gnomAD 0.00011; gnomAD exomes 0.00012 and 0.00014; TOPMed 0.00012; ESP Exome Variant Server 0.00032; ExAC 0.00052.
gnomAD v4.1: 208 of 1,562,040 alleles (0.013%); highest among the groups gnomAD compares: Non-Finnish European, 0.017%; no homozygotes.

Submissions (3):

CeGaT Center for Human Genetics Tuebingen
Classification: Likely benign. Last evaluated: 2026-03-01. Review status: criteria provided, single submitter. Criteria: CeGaT Center For Human Genetics Tuebingen Variant Classification Criteria Version 2. Collection method: clinical testing. Allele origin: germline. Affected: yes. Observed: 2 variant alleles.
Comment: PIK3R2: BP4, BS1

Labcorp Genetics (formerly Invitae), Labcorp
Classification: Likely benign for Megalencephaly-polymicrogyria-postaxial polydactyly-hydrocephalus syndrome. Last evaluated: 2025-12-27. Review status: criteria provided, single submitter. Criteria: Invitae Variant Classification Sherloc (09022015). Collection method: clinical testing. Allele origin: germline.

Laboratory of Genetics, Children's Clinical University Hospital Latvia
Classification: Likely benign. Last evaluated: 2025-02-16. Review status: criteria provided, single submitter. Criteria: ACMG Guidelines, 2015. Collection method: clinical testing. Allele origin: germline. Affected: yes.